The following is an entry in ClinVar:

ClinVar aggregate classification (germline): Uncertain significance (1 of 4 stars; one submission).

Conditions:
Juvenile onset Parkinson disease 19A. Also called: DNAJC6 Parkinson Disease; PARK19. Identifiers: Orphanet 391411, MedGen C3809811, MONDO:0014231, OMIM 615528.

gnomAD v4.1: 1 of 1,548,928 alleles (0.000065%); no homozygotes.

Submission:

Labcorp Genetics (formerly Invitae), Labcorp
Classification: Uncertain significance for Juvenile onset Parkinson disease 19A. Last evaluated: 2021-06-19. Review status: criteria provided, single submitter. Criteria: Invitae Variant Classification Sherloc (09022015). Collection method: clinical testing. Allele origin: germline.
Comment: In summary, the available evidence is currently insufficient to determine the role of this variant in disease. Therefore, it has been classified as a Variant of Uncertain Significance. Algorithms developed to predict the effect of missense changes on protein structure and function (SIFT, PolyPhen-2, Align-GVGD) all suggest that this variant is likely to be tolerated, but these predictions have not been confirmed by published functional studies and their clinical significance is uncertain. This variant has not been reported in the literature in individuals with DNAJC6-related conditions. The frequency data for this variant in the population databases is considered unreliable, as metrics indicate insufficient coverage at this position in the ExAC database. This sequence change replaces threonine with isoleucine at codon 11 of the DNAJC6 protein (p.Thr11Ile). The threonine residue is weakly conserved and there is a moderate physicochemical difference between threonine and isoleucine.

NM_001256864.2(DNAJC6):c.32C>T (p.Thr11Ile)

Gene: DNAJC6 (DnaJ heat shock protein family (Hsp40) member C6; plus strand). Cytogenetic location: 1p31.3.
Variant type: single nucleotide variant.
Coding change: c.32C>T on transcript NM_001256864.2 (MANE Select); coding-DNA position 32, C replaced by T.
Protein change: p.Thr11Ile; replaces threonine 11 with isoleucine.
Molecular consequence: missense variant. On other transcripts: intron variant (2).
Genome position (GRCh38, 1-based): chr1:65,309,777, C>T. VCF-style: chr1-65309777-C-T. GRCh37 (hg19) VCF-style: chr1-65775460-C-T.
Other names: c.-130-35834C>T (NM_001256865.2); c.22+44845C>T (NM_014787.4); short protein forms T11I.
Identifiers: ClinVar variation 1447596 (VCV001447596.8), dbSNP rs2101357416, ClinGen allele CA340662533.